The following is an entry in ClinVar:

ClinVar aggregate classification (germline): Likely benign (0 of 4 stars; one submission).

Conditions:
HOXA2-related disorder. Also called: HOXA2-related condition.

Allele frequency attached by ClinVar (database versions not stated): ExAC 0.00002; gnomAD 0.00003; TOPMed 0.00003.
gnomAD v4.1: 32 of 1,614,128 alleles (0.002%); highest among the groups gnomAD compares: Middle Eastern, 0.049%; no homozygotes.

Submission:

PreventionGenetics, part of Exact Sciences
Classification: Likely benign for HOXA2-related condition. Last evaluated: 2020-07-01. Review status: no assertion criteria provided. Collection method: clinical testing. Allele origin: germline.
Comment: This variant is classified as likely benign based on ACMG/AMP sequence variant interpretation guidelines (Richards et al. 2015 PMID: 25741868, with internal and published modifications).

NM_006735.4(HOXA2):c.879T>G (p.Thr293=)

Gene: HOXA2 (homeobox A2; minus strand). Cytogenetic location: 7p15.2.
Variant type: single nucleotide variant.
Coding change: c.879T>G on transcript NM_006735.4 (MANE Select); coding-DNA position 879, T replaced by G.
Protein change: p.Thr293=; no amino-acid change (threonine 293 retained).
Molecular consequence: synonymous variant.
Genome position (GRCh38, 1-based): chr7:27,100,978, A>C on the plus strand (T>G on the coding strand, the complement: HOXA2 is on the minus strand). VCF-style: chr7-27100978-A-C. GRCh37 (hg19) VCF-style: chr7-27140597-A-C.
Identifiers: ClinVar variation 3036994 (VCV003036994.2), dbSNP rs761354200, ClinGen allele CA4196119.